The following is an entry in ClinVar:

ClinVar aggregate classification (germline): Uncertain significance. Review status: criteria provided, multiple submitters, no conflicts (2 of 4 stars). 3 submissions from 3 submitters: Uncertain significance (3). Last evaluated 2019-10-24.

Conditions:
Hereditary cancer-predisposing syndrome. Also called: Hereditary neoplastic syndrome; Neoplastic Syndromes, Hereditary; Hereditary Cancer Syndrome; Tumor predisposition. Identifiers: Orphanet 140162, MedGen C0027672, MeSH D009386, MONDO:0015356.

Submissions (3):

Ambry Genetics
Classification: Uncertain significance for Hereditary cancer-predisposing syndrome. Last evaluated: 2019-10-24. Review status: criteria provided, single submitter. Criteria: Ambry Variant Classification Scheme 2023. Collection method: clinical testing. Allele origin: germline.
Comment: The p.Q1259H variant (also known as c.3777G>T), located in coding exon 25 of the RAD50 gene, results from a G to T substitution at nucleotide position 3777. The glutamine at codon 1259 is replaced by histidine, an amino acid with highly similar properties. This amino acid position is highly conserved in available vertebrate species. In addition, the in silico prediction for this alteration is inconclusive. Since supporting evidence is limited at this time, the clinical significance of this alteration remains unclear.

Labcorp Genetics (formerly Invitae), Labcorp
Classification: Uncertain significance for Hereditary cancer-predisposing syndrome. Last evaluated: 2019-06-16. Review status: criteria provided, single submitter. Criteria: Invitae Variant Classification Sherloc (09022015). Collection method: clinical testing. Allele origin: germline.
Comment: This variant has not been reported in the literature in individuals with RAD50-related conditions. ClinVar contains an entry for this variant (Variation ID: 128021). This sequence change replaces glutamine with histidine at codon 1259 of the RAD50 protein (p.Gln1259His). The glutamine residue is moderately conserved and there is a small physicochemical difference between glutamine and histidine. This variant is not present in population databases (ExAC no frequency). Algorithms developed to predict the effect of missense changes on protein structure and function are either unavailable or do not agree on the potential impact of this missense change (SIFT: "Tolerated"; PolyPhen-2: "Probably Damaging"; Align-GVGD: "Class C0"). In summary, the available evidence is currently insufficient to determine the role of this variant in disease. Therefore, it has been classified as a Variant of Uncertain Significance.

GeneDx
Classification: Uncertain significance. Last evaluated: 2014-02-25. Review status: criteria provided, single submitter. Criteria: GeneDx Variant Classification (06012015). Collection method: clinical testing. Allele origin: germline. Affected: yes.
Comment: RAD50 has been only recently described in association with cancer predisposition and the risks are not well understood. This variant is denoted RAD50 c.3777G>T at the cDNA level, p.Gln1259His (Q1259H) at the protein level, and results in the change of a Glutamine to a Histidine (CAG>CAT). This variant has not, to our knowledge, been published in the literature as pathogenic or benign. RAD50 Gln1259His was not observed in approximately 6,500 individuals of European and African American ancestry in the NHLBI Exome Sequencing Project, indicating it is not a common benign variant in these populations. Since Glutamine and Histidine differ in some properties, this is considered a semi-conservative amino acid substitution and may affect secondary protein structure. RAD50 Gln1259His occurs at a position that is well conserved across species and is not located in a known functional domain. In silico analyses predict that this variant is probably damaging to protein structure and function. On a molecular level, the impact of this missense variant on protein structure and function is not known and thus we consider this to be a variant of uncertain significance. Furthermore, based on the currently available information, cancer risks associated with this variant, and the RAD50 gene, remain unclear.

NM_005732.4(RAD50):c.3777G>T (p.Gln1259His)

Genes: RAD50 (RAD50 double strand break repair protein; plus strand), TH2LCRR (T helper type 2 locus control region associated RNA; minus strand). Cytogenetic location: 5q31.1.
Variant type: single nucleotide variant.
Coding change: c.3777G>T on transcript NM_005732.4 (MANE Select); coding-DNA position 3777, G replaced by T.
Protein change: p.Gln1259His; replaces glutamine 1259 with histidine.
Molecular consequence: missense variant. On other transcripts: non-coding transcript variant (1).
Genome position (GRCh38, 1-based): chr5:132,642,202, G>T. VCF-style: chr5-132642202-G-T. GRCh37 (hg19) VCF-style: chr5-131977894-G-T.
Other names: p.Q1259H:CAG>CAT; short protein forms Q1259H.
Identifiers: ClinVar variation 128021 (VCV000128021.16), dbSNP rs587780157, ClinGen allele CA288211.